The following is an entry in ClinVar:

ClinVar aggregate classification (germline): Uncertain significance (1 of 4 stars; one submission).

Conditions:
Hereditary cancer-predisposing syndrome. Also called: Hereditary neoplastic syndrome; Neoplastic Syndromes, Hereditary; Tumor predisposition; Hereditary Cancer Syndrome. Identifiers: Orphanet 140162, MedGen C0027672, MeSH D009386, MONDO:0015356.

Allele frequency attached by ClinVar (database versions not stated): gnomAD exomes below 0.00001.
gnomAD v4.1: 1 of 1,613,244 alleles (0.000062%); highest among the groups gnomAD compares: Non-Finnish European, 0.000085%; no homozygotes.

Submission:

Ambry Genetics
Classification: Uncertain significance for Hereditary cancer-predisposing syndrome. Last evaluated: 2023-03-01. Review status: criteria provided, single submitter. Criteria: Ambry Variant Classification Scheme 2023. Collection method: clinical testing. Allele origin: germline.
Comment: The p.S2209C variant (also known as c.6626C>G), located in coding exon 45 of the ATM gene, results from a C to G substitution at nucleotide position 6626. The serine at codon 2209 is replaced by cysteine, an amino acid with dissimilar properties. This amino acid position is highly conserved in available vertebrate species. In addition, this alteration is predicted to be deleterious by in silico analysis. Since supporting evidence is limited at this time, the clinical significance of this alteration remains unclear.

NM_000051.4(ATM):c.6626C>G (p.Ser2209Cys)

Genes: ATM (ATM serine/threonine kinase; plus strand), C11orf65 (chromosome 11 open reading frame 65; minus strand). Cytogenetic location: 11q22.3.
Variant type: single nucleotide variant.
Coding change: c.6626C>G on transcript NM_000051.4 (MANE Select); coding-DNA position 6626, C replaced by G.
Protein change: p.Ser2209Cys; replaces serine 2209 with cysteine.
Molecular consequence: missense variant. On other transcripts: intron variant (2).
Genome position (GRCh38, 1-based): chr11:108,325,363, C>G. VCF-style: chr11-108325363-C-G. GRCh37 (hg19) VCF-style: chr11-108196090-C-G.
Other names: c.6626C>G, p.Ser2209Cys (NM_001351834.2); c.641-16292G>C (NM_001330368.2); c.*38+9857G>C (NM_001351110.2); short protein forms S2209C.
Identifiers: ClinVar variation 1754541 (VCV001754541.3), dbSNP rs2136309262, ClinGen allele CA382554763.